The following is an entry in ClinVar:

NM_032217.5(ANKRD17):c.7122G>C (p.Pro2374=)

Gene: ANKRD17 (ankyrin repeat domain 17; minus strand). Cytogenetic location: 4q13.3.
Variant type: single nucleotide variant.
Coding change: c.7122G>C on transcript NM_032217.5 (MANE Select); coding-DNA position 7122, G replaced by C.
Protein change: p.Pro2374=; no amino-acid change (proline 2374 retained).
Molecular consequence: synonymous variant.
Genome position (GRCh38, 1-based): chr4:73,085,286, C>G on the plus strand (G>C on the coding strand, the complement: ANKRD17 is on the minus strand). VCF-style: chr4-73085286-C-G. GRCh37 (hg19) VCF-style: chr4-73951003-C-G.
Other names: NC_000004.11:g.73951003C>G; c.6783G>C, p.Pro2261= (NM_001286771.3); c.7119G>C, p.Pro2373= (NM_015574.2); c.6369G>C, p.Pro2123= (NM_198889.3).
Identifiers: ClinVar variation 3904788 (VCV003904788.11).

ClinVar aggregate classification (germline): Likely benign (1 of 4 stars; one submission).

gnomAD v4.1: 2,688 of 1,614,010 alleles (0.17%); highest among the groups gnomAD compares: Non-Finnish European, 0.2%; 4 homozygotes.

Submissions (13):

CeGaT Center for Human Genetics Tuebingen
Classification: Likely benign. Last evaluated: 2026-09-01. Review status: criteria provided, single submitter. Criteria: CeGaT Center For Human Genetics Tuebingen Variant Classification Criteria Version 2. Collection method: clinical testing. Allele origin: germline. Affected: yes. Observed: 3 variant alleles.
Comment: ANKRD17: BP4, BP7

Dr. Peter K. Rogan Lab, Western University
No classification provided (evidence only). Condition: Clear cell carcinoma of kidney. Review status: no classification provided. Collection method: in vitro. Allele origin: not applicable. Functional consequence: skipped exon, retained intron. Not counted in ClinVar's aggregate classification.

Dr. Peter K. Rogan Lab, Western University
No classification provided (evidence only). Condition: Clear cell carcinoma of kidney. Review status: no classification provided. Collection method: in vitro. Allele origin: not applicable. Functional consequence: skipped exon, retained intron. Not counted in ClinVar's aggregate classification.

Dr. Peter K. Rogan Lab, Western University
No classification provided (evidence only). Condition: Melanoma. Review status: no classification provided. Collection method: in vitro. Allele origin: not applicable. Functional consequence: skipped exon. Not counted in ClinVar's aggregate classification.

Dr. Peter K. Rogan Lab, Western University
No classification provided (evidence only). Condition: Melanoma. Review status: no classification provided. Collection method: in vitro. Allele origin: not applicable. Functional consequence: skipped exon. Not counted in ClinVar's aggregate classification.

Dr. Peter K. Rogan Lab, Western University
No classification provided (evidence only). Condition: Familial cancer of breast. Review status: no classification provided. Collection method: in vitro. Allele origin: not applicable. Functional consequence: skipped exon, retained intron. Not counted in ClinVar's aggregate classification.

Dr. Peter K. Rogan Lab, Western University
No classification provided (evidence only). Condition: Acute myeloid leukemia. Review status: no classification provided. Collection method: in vitro. Allele origin: not applicable. Functional consequence: retained intron. Not counted in ClinVar's aggregate classification.

Dr. Peter K. Rogan Lab, Western University
No classification provided (evidence only). Condition: Colon adenocarcinoma. Review status: no classification provided. Collection method: in vitro. Allele origin: not applicable. Functional consequence: skipped exon. Not counted in ClinVar's aggregate classification.

Dr. Peter K. Rogan Lab, Western University
No classification provided (evidence only). Condition: Thyroid cancer, nonmedullary, 1. Review status: no classification provided. Collection method: in vitro. Allele origin: not applicable. Functional consequence: skipped exon. Not counted in ClinVar's aggregate classification.

Dr. Peter K. Rogan Lab, Western University
No classification provided (evidence only). Condition: Hepatocellular carcinoma. Review status: no classification provided. Collection method: in vitro. Allele origin: not applicable. Functional consequence: skipped exon. Not counted in ClinVar's aggregate classification.

Dr. Peter K. Rogan Lab, Western University
No classification provided (evidence only). Condition: Hepatocellular carcinoma. Review status: no classification provided. Collection method: in vitro. Allele origin: not applicable. Functional consequence: skipped exon. Not counted in ClinVar's aggregate classification.

Dr. Peter K. Rogan Lab, Western University
No classification provided (evidence only). Condition: Nonpapillary renal cell carcinoma. Review status: no classification provided. Collection method: in vitro. Allele origin: not applicable. Functional consequence: retained intron. Not counted in ClinVar's aggregate classification.

Dr. Peter K. Rogan Lab, Western University
No classification provided (evidence only). Condition: Gastric cancer. Review status: no classification provided. Collection method: in vitro. Allele origin: not applicable. Functional consequence: retained intron. Not counted in ClinVar's aggregate classification.